The following is an entry in ClinVar:

NM_005445.4(SMC3):c.3650G>A (p.Gly1217Asp)

Gene: SMC3 (structural maintenance of chromosomes 3; plus strand). Cytogenetic location: 10q25.2.
Variant type: single nucleotide variant.
Coding change: c.3650G>A on transcript NM_005445.4 (MANE Select); coding-DNA position 3650, G replaced by A.
Protein change: p.Gly1217Asp; replaces glycine 1217 with aspartic acid.
Molecular consequence: missense variant.
Genome position (GRCh38, 1-based): chr10:110,604,298, G>A. VCF-style: chr10-110604298-G-A. GRCh37 (hg19) VCF-style: chr10-112364056-G-A.
Other names: short protein forms G1217D.
Identifiers: ClinVar variation 5029985 (VCV005029985.1).

ClinVar aggregate classification (germline): Uncertain significance (1 of 4 stars; one submission).

Conditions:
Inborn genetic diseases. Identifiers: MedGen C0950123, MeSH D030342.

gnomAD v4.1: 3 of 1,604,776 alleles (0.00019%); highest among the groups gnomAD compares: Non-Finnish European, 0.000085%; no homozygotes.

Submission:

Ambry Genetics
Classification: Uncertain significance for Inborn genetic diseases. Last evaluated: 2026-07-19. Review status: criteria provided, single submitter. Criteria: Ambry Variant Classification Scheme 2023. Collection method: clinical testing. Allele origin: germline.
Comment: The c.3650G>A (p.G1217D) alteration is located in exon 29 (coding exon 29) of the SMC3 gene. This alteration results from a G to A substitution at nucleotide position 3650, causing the glycine (G) at amino acid position 1217 to be replaced by an aspartic acid (D). Based on data from gnomAD, the A allele has an overall frequency of <0.001% (1/251310) total alleles studied. The highest observed frequency was <0.001% (/) of alleles. Based on insufficient or conflicting evidence, the clinical significance of this alteration remains unclear.